The following is an entry in ClinVar:

ClinVar aggregate classification (germline): Conflicting classifications of pathogenicity. Review status: criteria provided, conflicting classifications (1 of 4 stars). 4 submissions from 4 submitters: Uncertain significance (3); Likely benign (1). Last evaluated 2025-06-17.

Conditions:
Familial isolated arrhythmogenic right ventricular dysplasia. Identifiers: Orphanet 217656, MedGen C4274968, MONDO:0016342.
Arrhythmogenic right ventricular dysplasia 11. Also called: Arrhythmogenic right ventricular dysplasia 11 with mild palmoplantar keratoderma and woolly hair; Arrhythmogenic Right Ventricular Dysplasia/Cardiomyopathy11; ARRHYTHMOGENIC RIGHT VENTRICULAR DYSPLASIA, FAMILIAL, 11. Identifiers: MedGen C1864850, MONDO:0012506, OMIM 610476.
Cardiovascular phenotype. Identifiers: MedGen CN230736.
Cardiomyopathy (CMYO). Also called: Cardiomyopathies. Identifiers: Orphanet 167848, MedGen C0878544, MONDO:0004994, HP:0001638. Inheritance: Various modes of inheritance.

Allele frequency attached by ClinVar (database versions not stated): gnomAD exomes below 0.00001.
gnomAD v4.1: 2 of 1,613,990 alleles (0.00012%); highest among the groups gnomAD compares: Non-Finnish European, 0.00017%; no homozygotes.

Submissions (4):

Color Diagnostics, LLC DBA Color Health
Classification: Uncertain significance for Cardiomyopathy. Last evaluated: 2025-06-17. Review status: criteria provided, single submitter. Criteria: ACMG Guidelines, 2015. Collection method: clinical testing. Allele origin: germline.
Comment: This missense variant replaces isoleucine with threonine at codon 475 of the DSC2 protein. Computational prediction suggests that this variant may not impact protein structure and function. To our knowledge, functional studies have not been reported for this variant. This variant has not been reported in individuals affected with DSC2-related disorders in the literature. This variant has not been identified in the general population by the Genome Aggregation Database (gnomAD). The available evidence is insufficient to determine the role of this variant in disease conclusively. Therefore, this variant is classified as a Variant of Uncertain Significance.

Labcorp Genetics (formerly Invitae), Labcorp
Classification: Uncertain significance for Arrhythmogenic right ventricular dysplasia 11. Last evaluated: 2024-12-10. Review status: criteria provided, single submitter. Criteria: Invitae Variant Classification Sherloc (09022015). Collection method: clinical testing. Allele origin: germline.
Comment: This sequence change replaces isoleucine, which is neutral and non-polar, with threonine, which is neutral and polar, at codon 475 of the DSC2 protein (p.Ile475Thr). This variant is not present in population databases (gnomAD no frequency). This variant has not been reported in the literature in individuals affected with DSC2-related conditions. ClinVar contains an entry for this variant (Variation ID: 1396941). Invitae Evidence Modeling of protein sequence and biophysical properties (such as structural, functional, and spatial information, amino acid conservation, physicochemical variation, residue mobility, and thermodynamic stability) indicates that this missense variant is not expected to disrupt DSC2 protein function with a negative predictive value of 80%. In summary, the available evidence is currently insufficient to determine the role of this variant in disease. Therefore, it has been classified as a Variant of Uncertain Significance.

Ambry Genetics
Classification: Likely benign for Cardiovascular phenotype. Last evaluated: 2024-03-11. Review status: criteria provided, single submitter. Criteria: Ambry Variant Classification Scheme 2023. Collection method: clinical testing. Allele origin: germline.

All of Us Research Program, National Institutes of Health
Classification: Uncertain significance for Familial isolated arrhythmogenic right ventricular dysplasia. Last evaluated: 2023-02-24. Review status: criteria provided, single submitter. Criteria: ACMG Guidelines, 2015. Collection method: clinical testing. Allele origin: germline. Inheritance: Autosomal dominant inheritance. Observed: 1 variant allele, 1 heterozygote.
Comment: This missense variant replaces isoleucine with threonine at codon 475 of the DSC2 protein. Computational prediction suggests that this variant may not impact protein structure and function (internally defined REVEL score threshold <= 0.5, PMID: 27666373). To our knowledge, functional studies have not been reported for this variant. This variant has not been reported in individuals affected with DSC2-related disorders in the literature. This variant has not been identified in the general population by the Genome Aggregation Database (gnomAD). The available evidence is insufficient to determine the role of this variant in disease conclusively. Therefore, this variant is classified as a Variant of Uncertain Significance.

This study involves interpretation of variants in research participants for the purpose of population health screening. Participant phenotype was not available at the time of variant classification. Additional details can be found in publication PMID: 35346344, PMCID: PMC8962531

NM_024422.6(DSC2):c.1424T>C (p.Ile475Thr)

Gene: DSC2 (desmocollin 2; minus strand). Cytogenetic location: 18q12.1.
Variant type: single nucleotide variant.
Coding change: c.1424T>C on transcript NM_024422.6 (MANE Select); coding-DNA position 1424, T replaced by C.
Protein change: p.Ile475Thr; replaces isoleucine 475 with threonine.
Molecular consequence: missense variant.
Genome position (GRCh38, 1-based): chr18:31,080,192, A>G on the plus strand (T>C on the coding strand, the complement: DSC2 is on the minus strand). VCF-style: chr18-31080192-A-G. GRCh37 (hg19) VCF-style: chr18-28660158-A-G.
Other names: c.1424T>C, p.Ile475Thr (NM_004949.5); short protein forms I475T.
Identifiers: ClinVar variation 1396941 (VCV001396941.10), dbSNP rs1022023137, ClinGen allele CA297636995.
Genomic context (GRCh38, chr18:31,080,192, plus strand): 5'-GCTTTATATCCATTGCTTGTTGTTCCCACTTCTGCATTTTCTTTCATGCGAACAGTCTGT[A>G]TTGGAGGGTTACACTCAGGGCCCTCATCCTGATCTTCTACATTAACAGTAACTGTTGCTG-3'
Protein context (NP_077740.1, residues 465-485): QDEGPECNPP[Ile475Thr]QTVRMKENAE